The following is an entry in ClinVar:

ClinVar aggregate classification (germline): Pathogenic (1 of 4 stars; one submission).

Conditions:
Primary ciliary dyskinesia. Also called: Ciliary dyskinesia. Identifiers: Orphanet 244, MedGen C0008780, MONDO:0016575, HP:0012265.

Submission:

Labcorp Genetics (formerly Invitae), Labcorp
Classification: Pathogenic for Primary ciliary dyskinesia. Last evaluated: 2024-01-11. Review status: criteria provided, single submitter. Criteria: Invitae Variant Classification Sherloc (09022015). Collection method: clinical testing. Allele origin: germline.
Comment: This sequence change creates a premature translational stop signal (p.Leu88Profs*56) in the DNAI2 gene. It is expected to result in an absent or disrupted protein product. Loss-of-function variants in DNAI2 are known to be pathogenic (PMID: 18950741, 23891469). This variant is not present in population databases (gnomAD no frequency). This variant has not been reported in the literature in individuals affected with DNAI2-related conditions. For these reasons, this variant has been classified as Pathogenic.

Literature cited by the submitters: PubMed 18950741; PubMed 23891469.

NM_023036.6(DNAI2):c.261_262dup (p.Leu88fs)

Gene: DNAI2 (dynein axonemal intermediate chain 2; plus strand). Cytogenetic location: 17q25.1.
Variant type: Duplication.
Coding change: c.261_262dup on transcript NM_023036.6 (MANE Select); coding-DNA positions 261 to 262, 2 bases duplicated (CC; older notation c.261_262dupCC).
Protein change: p.Leu88fs; shifts the reading frame from leucine 88.
Molecular consequence: frameshift variant. On other transcripts: non-coding transcript variant (1).
Genome position (GRCh38, 1-based): chr17:74,285,117-74,285,118, CC duplicated; duplicating any 2 consecutive bases within chr17:74,285,114-74,285,118 gives the same sequence; the c. name uses the placement nearest the transcript's 3' end. VCF-style (leftmost placement, unchanged base first): chr17-74285113-A-ACC. GRCh37 (hg19) VCF-style: chr17-72281252-A-ACC.
Other names: c.261_262dup, p.Leu88fs (NM_001172810.3, NM_001353167.2); short protein forms L88fs.
Identifiers: ClinVar variation 2708837 (VCV002708837.3), dbSNP rs2509692803, ClinGen allele CA2697555209.